The following is an entry in ClinVar:

NM_012090.5(MACF1):c.179C>T (p.Ser60Leu)

Gene: MACF1 (microtubule actin crosslinking factor 1; plus strand). Cytogenetic location: 1p34.3.
Variant type: single nucleotide variant.
Coding change: c.179C>T on transcript NM_012090.5; coding-DNA position 179, C replaced by T.
Protein change: p.Ser60Leu; replaces serine 60 with leucine.
Molecular consequence: missense variant.
Genome position (GRCh38, 1-based): chr1:39,084,397, C>T. VCF-style: chr1-39084397-C-T. GRCh37 (hg19) VCF-style: chr1-39550069-C-T.
Other names: short protein forms S60L.
Identifiers: ClinVar variation 2711811 (VCV002711811.4), dbSNP rs768273900, ClinGen allele CA779039.
Genomic context (GRCh38, chr1:39,084,397, plus strand): 5'-GGGACACCTTGCCCTGGAACCTGCCACTGCATGAGCAGAAAAAGCGGAAAAGCCAGGATT[C>T]GGTGCTGGACCCTGCAGAGCGTGCTGTGGTCAGAGTCGCTGGTAAGAGAGGTCCCCCAGC-3'

ClinVar aggregate classification (germline): Conflicting classifications of pathogenicity. Review status: criteria provided, conflicting classifications (1 of 4 stars). 3 submissions from 3 submitters: Uncertain significance (2); Likely benign (1). Last evaluated 2025-06-22.

Conditions:
Inborn genetic diseases. Identifiers: MedGen C0950123, MeSH D030342.

Allele frequency attached by ClinVar (database versions not stated): ExAC 0.00003; gnomAD 0.00005; TOPMed 0.00001; gnomAD exomes 0.00002.
gnomAD v4.1: 37 of 1,612,474 alleles (0.0023%); highest among the groups gnomAD compares: Admixed American, 0.0083%; no homozygotes.

Submissions (3):

Ambry Genetics
Classification: Likely benign for Inborn genetic diseases. Last evaluated: 2025-06-22. Review status: criteria provided, single submitter. Criteria: Ambry Variant Classification Scheme 2023. Collection method: clinical testing. Allele origin: germline.

GeneDx
Classification: Uncertain significance. Last evaluated: 2025-06-12. Review status: criteria provided, single submitter. Criteria: GeneDx Variant Classification Process June 2021. Collection method: clinical testing. Allele origin: germline. Affected: yes.
Comment: In silico analysis supports that this missense variant has a deleterious effect on protein structure/function; Has not been previously published as pathogenic or benign to our knowledge

Labcorp Genetics (formerly Invitae), Labcorp
Classification: Uncertain significance. Last evaluated: 2025-03-27. Review status: criteria provided, single submitter. Criteria: Invitae Variant Classification Sherloc (09022015). Collection method: clinical testing. Allele origin: germline.
Comment: This sequence change replaces serine, which is neutral and polar, with leucine, which is neutral and non-polar, at codon 60 of the MACF1 protein (p.Ser60Leu). This variant is present in population databases (rs768273900, gnomAD 0.01%). This variant has not been reported in the literature in individuals affected with MACF1-related conditions. ClinVar contains an entry for this variant (Variation ID: 2711811). An algorithm developed to predict the effect of missense changes on protein structure and function (PolyPhen-2) suggests that this variant is likely to be disruptive. In summary, the available evidence is currently insufficient to determine the role of this variant in disease. Therefore, it has been classified as a Variant of Uncertain Significance.